The following is an entry in ClinVar:

ClinVar aggregate classification (germline): Uncertain significance (1 of 4 stars; one submission).

Conditions:
Aortic valve disease 2 (AOVD2). Identifiers: MedGen C3542024, MONDO:0013902, OMIM 614823.

gnomAD v4.1: 1 of 1,293,764 alleles (0.000077%); highest among the groups gnomAD compares: Non-Finnish European, 0.000097%; no homozygotes.

Submission:

Labcorp Genetics (formerly Invitae), Labcorp
Classification: Uncertain significance for Aortic valve disease 2. Last evaluated: 2025-06-04. Review status: criteria provided, single submitter. Criteria: Invitae Variant Classification Sherloc (09022015). Collection method: clinical testing. Allele origin: germline.
Comment: This sequence change replaces glutamine, which is neutral and polar, with arginine, which is basic and polar, at codon 218 of the SMAD6 protein (p.Gln218Arg). This variant is not present in population databases (gnomAD no frequency). This variant has not been reported in the literature in individuals affected with SMAD6-related conditions. Invitae Evidence Modeling of protein sequence and biophysical properties (such as structural, functional, and spatial information, amino acid conservation, physicochemical variation, residue mobility, and thermodynamic stability) indicates that this missense variant is not expected to disrupt SMAD6 protein function with a negative predictive value of 80%. In summary, the available evidence is currently insufficient to determine the role of this variant in disease. Therefore, it has been classified as a Variant of Uncertain Significance.

NM_005585.5(SMAD6):c.653A>G (p.Gln218Arg)

Gene: SMAD6 (SMAD family member 6; plus strand). Cytogenetic location: 15q22.31.
Variant type: single nucleotide variant.
Coding change: c.653A>G on transcript NM_005585.5 (MANE Select); coding-DNA position 653, A replaced by G.
Protein change: p.Gln218Arg; replaces glutamine 218 with arginine.
Molecular consequence: missense variant. On other transcripts: non-coding transcript variant (1).
Genome position (GRCh38, 1-based): chr15:66,703,911, A>G. VCF-style: chr15-66703911-A-G. GRCh37 (hg19) VCF-style: chr15-66996249-A-G.
Other names: short protein forms Q218R.
Identifiers: ClinVar variation 4768741 (VCV004768741.1).